The following is an entry in ClinVar:

ClinVar aggregate classification (germline): Uncertain significance (1 of 4 stars; one submission).

gnomAD v4.1: 12 of 1,612,802 alleles (0.00074%); highest among the groups gnomAD compares: Non-Finnish European, 0.001%; no homozygotes.

Submission:

GeneDx
Classification: Uncertain significance. Last evaluated: 2024-04-26. Review status: criteria provided, single submitter. Criteria: GeneDx Variant Classification Process June 2021. Collection method: clinical testing. Allele origin: germline. Affected: yes.
Comment: Not observed at significant frequency in large population cohorts (gnomAD); In silico analysis supports that this missense variant has a deleterious effect on protein structure/function; Has not been previously published as pathogenic or benign to our knowledge

NM_001256007.3(PNPLA8):c.1978A>G (p.Thr660Ala)

Gene: PNPLA8 (patatin like phospholipase domain containing 8; minus strand). Cytogenetic location: 7q31.1.
Variant type: single nucleotide variant.
Coding change: c.1978A>G on transcript NM_001256007.3 (MANE Select); coding-DNA position 1978, A replaced by G.
Protein change: p.Thr660Ala; replaces threonine 660 with alanine.
Molecular consequence: missense variant.
Genome position (GRCh38, 1-based): chr7:108,479,280, T>C on the plus strand (A>G on the coding strand, the complement: PNPLA8 is on the minus strand). VCF-style: chr7-108479280-T-C. GRCh37 (hg19) VCF-style: chr7-108119724-T-C.
Other names: c.1978A>G, p.Thr660Ala (NM_001256008.3, NM_015723.5); c.1792A>G, p.Thr598Ala (NM_001256009.3); c.1678A>G, p.Thr560Ala (NM_001256010.3, NM_001256011.3); short protein forms T560A, T598A, T660A.
Identifiers: ClinVar variation 3372930 (VCV003372930.1).
Genomic context (GRCh38, chr7:108,479,280, plus strand): 5'-GTTTAGTTTTCAAGCTTGTGTATGTTACCGTGTTTCTCACATCACTCTCATAACGTCCAG[T>C]GCCCAGGGATACTATGCACTCTAACGGCACATCTGGCCAAAGACATTTACACTCATGCAT-3'
Protein context (NP_001242936.1, residues 650-670): VPLECIVSLG[Thr660Ala]GRYESDVRNT